The following is an entry in ClinVar:

NM_001103.4(ACTN2):c.749C>T (p.Ser250Phe)

Gene: ACTN2 (actinin alpha 2; plus strand). Cytogenetic location: 1q43.
Variant type: single nucleotide variant.
Coding change: c.749C>T on transcript NM_001103.4 (MANE Select); coding-DNA position 749, C replaced by T.
Protein change: p.Ser250Phe; replaces serine 250 with phenylalanine.
Molecular consequence: missense variant. On other transcripts: non-coding transcript variant (1), intron variant (1).
Genome position (GRCh38, 1-based): chr1:236,735,686, C>T. VCF-style: chr1-236735686-C-T. GRCh37 (hg19) VCF-style: chr1-236898986-C-T.
Other names: c.783+1168C>T (NM_001278343.2); short protein forms S250F.
Identifiers: ClinVar variation 3776379 (VCV003776379.3).

ClinVar aggregate classification (germline): Conflicting classifications of pathogenicity. Review status: criteria provided, conflicting classifications (1 of 4 stars). 3 submissions from 3 submitters: Likely pathogenic (1); Uncertain significance (2). Last evaluated 2026-01-27.

Conditions:
Cardiovascular phenotype. Identifiers: MedGen CN230736.
ACTN2-related cardiac and skeletal myopathy. Identifiers: MedGen CN379592, MONDO:0700349.

Submissions (3):

Genos
Classification: Likely pathogenic for ACTN2-related cardiac and skeletal myopathy. Last evaluated: 2026-01-27. Review status: criteria provided, single submitter. Criteria: ACMG Guidelines, 2015. Collection method: research. Allele origin: maternal. Inheritance: Autosomal dominant inheritance. Affected: yes. Observed: 1 heterozygote.
Comment: It results in a missense change at a highly conserved position (PhyloP100: 7.91). The variant allele is extremely rare in population databases: it is present in gnomAD v4.1.0 at a frequency of 0.000000684 (1/1,461,892 alleles), with no homozygotes reported. In silico prediction tools support a deleterious effect (REVEL: 0.97). Functional studies in HeLa cells (unpublished data; manuscript in preparation) demonstrated α-actinin-2 aggregate formation, and the localization and solubility of the mutant protein similar to those observed for the established pathogenic ACTN2 variant p.(T247M). In summary, this variant meets ACMG/AMP criteria for classification as Likely Pathogenic (PS3, PM2_supporting, PP3).

Ambry Genetics
Classification: Uncertain significance for Cardiovascular phenotype. Last evaluated: 2025-07-24. Review status: criteria provided, single submitter. Criteria: Ambry Variant Classification Scheme 2023. Collection method: clinical testing. Allele origin: germline.
Comment: The p.S250F variant (also known as c.749C>T), located in coding exon 8 of the ACTN2 gene, results from a C to T substitution at nucleotide position 749. The serine at codon 250 is replaced by phenylalanine, an amino acid with highly dissimilar properties. This amino acid position is conserved. In addition, this alteration is predicted to be deleterious by in silico analysis. Based on the available evidence, the clinical significance of this variant remains unclear.

GeneDx
Classification: Uncertain significance. Last evaluated: 2024-10-07. Review status: criteria provided, single submitter. Criteria: GeneDx Variant Classification Process June 2021. Collection method: clinical testing. Allele origin: germline. Affected: yes.
Comment: Not observed at significant frequency in large population cohorts (gnomAD); In silico analysis supports that this missense variant has a deleterious effect on protein structure/function; Has not been previously published as pathogenic or benign to our knowledge